The following is an entry in ClinVar:

NM_007272.3(CTRC):c.253G>T (p.Ala85Ser)

Gene: CTRC (chymotrypsin C; plus strand). Cytogenetic location: 1p36.21.
Variant type: single nucleotide variant.
Coding change: c.253G>T on transcript NM_007272.3 (MANE Select); coding-DNA position 253, G replaced by T.
Protein change: p.Ala85Ser; replaces alanine 85 with serine.
Molecular consequence: missense variant.
Genome position (GRCh38, 1-based): chr1:15,442,469, G>T. VCF-style: chr1-15442469-G-T. GRCh37 (hg19) VCF-style: chr1-15768965-G-T.
Other names: short protein forms A85S.
Identifiers: ClinVar variation 3498395 (VCV003498395.1).

ClinVar aggregate classification (germline): Uncertain significance (1 of 4 stars; one submission).

Conditions:
Hereditary pancreatitis (PCTT). Also called: Hereditary chronic pancreatitis; PRSS1-Related Hereditary Pancreatitis. Identifiers: Orphanet 676, MedGen C0238339, MONDO:0008185, OMIM 167800.

Submission:

Ambry Genetics
Classification: Uncertain significance for Hereditary pancreatitis. Last evaluated: 2024-07-01. Review status: criteria provided, single submitter. Criteria: Ambry Variant Classification Scheme 2023. Collection method: clinical testing. Allele origin: germline.
Comment: The p.A85S variant (also known as c.253G>T), located in coding exon 4 of the CTRC gene, results from a G to T substitution at nucleotide position 253. The alanine at codon 85 is replaced by serine, an amino acid with similar properties. This amino acid position is conserved. In addition, this alteration is predicted to be tolerated by in silico analysis. Based on the available evidence, the clinical significance of this variant remains unclear.